The following is an entry in ClinVar:

NC_000004.12:g.128853220_129006649dup

Genes: JADE1 (jade family PHD finger 1; plus strand), SCLT1 (sodium channel and clathrin linker 1; minus strand), LOC129993079 (ATAC-STARR-seq lymphoblastoid active region 21899; plus strand), LOC129993080 (ATAC-STARR-seq lymphoblastoid active region 21900; plus strand), LOC129993081 (ATAC-STARR-seq lymphoblastoid active region 21901; plus strand). Cytogenetic location: 4q28.2.
Variant type: Duplication.
Identifiers: ClinVar variation 156933 (VCV000156933.3).

ClinVar aggregate classification (germline): not provided (0 of 4 stars; one submission).

Conditions:
Small for gestational age. Also called: Low birth weight. Identifiers: MedGen C0235991, HP:0001518.

Submission:

Institute of Molecular and Cell Biology, University of Tartu
No classification provided. Condition: Small for gestational age. Review status: no classification provided. Collection method: case-control. Allele origin: unknown. Affected: yes. Study: Kasak2014.
Comment: The study aimed to determine the contribution of copy number variants in the genetic etiology of normal and complicated pregnancies. The samples represented (i) maternal blood DNA drawn from healthy pregnant women during 1st or 2nd trimester and (ii) maternal and paternal blood DNA drawn at term pregnancy cases representing normal and complicated gestations (severe preeclampsia, PE; gestational diabetes, GD; small-for-gestational age newborn, SGA; large-for-gestational age newborn, LGA). We performed CNV calling based on genome-wide genotyping dataset (Illumina HumanOmniExpress-24-v1 BeadChip) by applying three algorithms, QuantiSNP, GADA (Genome Alteration Detection Algorithm) and CNstream in parallel. The acquired CNV calls were merged with HD-CNV (Hotspot Detector for Copy Number Variants) program and only the CNVs predicted by at least two programs, were considered in subsequent analysis.

Literature cited by the submitters: PubMed 25666259.